The following is an entry in ClinVar:

NM_177438.3(DICER1):c.3485G>C (p.Gly1162Ala)

Gene: DICER1 (dicer 1, ribonuclease III; minus strand). Cytogenetic location: 14q32.13.
Variant type: single nucleotide variant.
Coding change: c.3485G>C on transcript NM_177438.3 (MANE Select); coding-DNA position 3485, G replaced by C.
Protein change: p.Gly1162Ala; replaces glycine 1162 with alanine.
Molecular consequence: missense variant.
Genome position (GRCh38, 1-based): chr14:95,103,911, C>G on the plus strand (G>C on the coding strand, the complement: DICER1 is on the minus strand). VCF-style: chr14-95103911-C-G. GRCh37 (hg19) VCF-style: chr14-95570248-C-G.
Other names: c.3485G>C, p.Gly1162Ala (NM_001195573.1, NM_001271282.3, NM_001291628.2 and 1 more transcripts); short protein forms G1162A.
Identifiers: ClinVar variation 1439455 (VCV001439455.7), dbSNP rs2139967373, ClinGen allele CA390875232.
Genomic context (GRCh38, chr14:95,103,911, plus strand): 5'-TGATTGTAAGAAAGACCATTAATTGCTGTAAGATCTGCTGAAACTTCAACGTGGAGCTTA[C>G]CAGGGGACTCGCTGAGCAACGTTCTGCAGTTCACAGACATTTGGTCATGATTTTCTAGAG-3'
Protein context (NP_803187.1, residues 1152-1172): NCRTLLSESP[Gly1162Ala]KLHVEVSADL

ClinVar aggregate classification (germline): Uncertain significance (1 of 4 stars; one submission).

Conditions:
DICER1-related tumor predisposition. Also called: DICER1-related pleuropulmonary blastoma cancer predisposition syndrome; DICER1 syndrome. Identifiers: Orphanet 284343, MedGen C3839822, MONDO:0100216.

Submission:

Labcorp Genetics (formerly Invitae), Labcorp
Classification: Uncertain significance for DICER1-related tumor predisposition. Last evaluated: 2022-04-15. Review status: criteria provided, single submitter. Criteria: Invitae Variant Classification Sherloc (09022015). Collection method: clinical testing. Allele origin: germline.
Comment: This sequence change replaces glycine, which is neutral and non-polar, with alanine, which is neutral and non-polar, at codon 1162 of the DICER1 protein (p.Gly1162Ala). This variant is not present in population databases (gnomAD no frequency). This variant has not been reported in the literature in individuals affected with DICER1-related conditions. Algorithms developed to predict the effect of missense changes on protein structure and function output the following: SIFT: "Tolerated"; PolyPhen-2: "Benign"; Align-GVGD: "Class C0". The alanine amino acid residue is found in multiple mammalian species, which suggests that this missense change does not adversely affect protein function. Algorithms developed to predict the effect of sequence changes on RNA splicing suggest that this variant may disrupt the consensus splice site. In summary, the available evidence is currently insufficient to determine the role of this variant in disease. Therefore, it has been classified as a Variant of Uncertain Significance.